The following is an entry in ClinVar:

ClinVar aggregate classification (germline): Likely benign. Review status: criteria provided, single submitter (1 of 4 stars). 2 submissions from 2 submitters: Likely benign (1). 1 of the submissions does not count toward it. Last evaluated 2025-12-19.

Conditions:
LONP1-related disorder. Also called: LONP1-related disorders; LONP1-related condition.

gnomAD v4.1: 25 of 1,613,808 alleles (0.0015%); highest among the groups gnomAD compares: East Asian, 0.016%; no homozygotes.

Submissions (2):

Labcorp Genetics (formerly Invitae), Labcorp
Classification: Likely benign. Last evaluated: 2025-12-19. Review status: criteria provided, single submitter. Criteria: Invitae Variant Classification Sherloc (09022015). Collection method: clinical testing. Allele origin: germline.

PreventionGenetics, part of Exact Sciences
Classification: Likely benign for LONP1-related condition. Last evaluated: 2019-03-02. Review status: no assertion criteria provided. Collection method: clinical testing. Allele origin: germline. Not counted in ClinVar's aggregate classification.
Comment: This variant is classified as likely benign based on ACMG/AMP sequence variant interpretation guidelines (Richards et al. 2015 PMID: 25741868, with internal and published modifications).

NM_004793.4(LONP1):c.2730C>T (p.Ile910=)

Gene: LONP1 (lon peptidase 1, mitochondrial; minus strand). Cytogenetic location: 19p13.3.
Variant type: single nucleotide variant.
Coding change: c.2730C>T on transcript NM_004793.4 (MANE Select); coding-DNA position 2730, C replaced by T.
Protein change: p.Ile910=; no amino-acid change (isoleucine 910 retained).
Molecular consequence: synonymous variant. On other transcripts: non-coding transcript variant (1).
Genome position (GRCh38, 1-based): chr19:5,692,182, G>A on the plus strand (C>T on the coding strand, the complement: LONP1 is on the minus strand). VCF-style: chr19-5692182-G-A. GRCh37 (hg19) VCF-style: chr19-5692193-G-A.
Other names: c.2730C>T (NM_004793.3); c.2538C>T, p.Ile846= (NM_001276479.2); c.2142C>T, p.Ile714= (NM_001276480.1).
Identifiers: ClinVar variation 1537136 (VCV001537136.10), dbSNP rs751344022, ClinGen allele CA9113978.